The following is an entry in ClinVar:

ClinVar aggregate classification (germline): Uncertain significance (1 of 4 stars; one submission).

Submission:

CeGaT Center for Human Genetics Tuebingen
Classification: Uncertain significance. Last evaluated: 2026-03-01. Review status: criteria provided, single submitter. Criteria: CeGaT Center For Human Genetics Tuebingen Variant Classification Criteria Version 2. Collection method: clinical testing. Allele origin: germline. Affected: yes. Observed: 1 variant allele.
Comment: NLGN3: PM2

NM_181303.2(NLGN3):c.2027C>T (p.Pro676Leu)

Gene: NLGN3 (neuroligin 3; plus strand). Cytogenetic location: Xq13.1.
Variant type: single nucleotide variant.
Coding change: c.2027C>T on transcript NM_181303.2 (MANE Select); coding-DNA position 2027, C replaced by T.
Protein change: p.Pro676Leu; replaces proline 676 with leucine.
Molecular consequence: missense variant.
Genome position (GRCh38, 1-based): chrX:71,169,577, C>T. VCF-style: chrX-71169577-C-T. GRCh37 (hg19) VCF-style: chrX-70389427-C-T.
Other names: c.1907C>T, p.Pro636Leu (NM_001166660.2); c.1616C>T, p.Pro539Leu (NM_001321276.2, NM_001438298.1); c.1676C>T, p.Pro559Leu (NM_001437941.1, NM_001438296.1); c.1967C>T, p.Pro656Leu (NM_018977.4); short protein forms P539L, P559L, P636L, P656L, P676L.
Identifiers: ClinVar variation 4823530 (VCV004823530.4).
Genomic context (GRCh38, chrX:71,169,577, plus strand): 5'-CCCACATCACCCGCAGGCCCAATGGCAAGACCTGGAGCACCAAGCGGCCAGCCATCTCAC[C>T]TGCCTACAGCAACGAGAATGCCCAGGGGTCCTGGAACGGGGACCAGGATGCAGGGCCACT-3'
Protein context (NP_851820.1, residues 666-686): TWSTKRPAIS[Pro676Leu]AYSNENAQGS